The following is an entry in ClinVar:

ClinVar aggregate classification (germline): Uncertain significance. Review status: criteria provided, multiple submitters, no conflicts (2 of 4 stars). 2 submissions from 2 submitters: Uncertain significance (2). Last evaluated 2026-03-30.

gnomAD v4.1: 174 of 1,594,250 alleles (0.011%); highest among the groups gnomAD compares: Non-Finnish European, 0.013%; 1 homozygote.

Submissions (2):

Women's Health and Genetics/Laboratory Corporation of America, LabCorp
Classification: Uncertain significance. Last evaluated: 2026-03-30. Review status: criteria provided, single submitter. Criteria: LabCorp Variant Classification Summary - May 2015. Collection method: clinical testing. Allele origin: germline.
Comment: Variant summary: CCDC141 c.2600A>G (p.Asn867Ser) results in a conservative amino acid change in the encoded protein sequence. Algorithms developed to predict the effect of missense changes on protein structure and function all suggest that this variant is likely to be tolerated. The variant allele was found at a frequency of 3.4e-05 in 232608 control chromosomes. The available data on variant occurrences in the general population are insufficient to allow any conclusion about variant significance. To our knowledge, no occurrence of c.2600A>G in individuals affected with CCDC141-related conditions and no experimental evidence demonstrating its impact on protein function have been reported. ClinVar contains an entry for this variant (Variation ID: 3263880). Based on the evidence outlined above, the variant was classified as uncertain significance.

Ambry Genetics
Classification: Uncertain significance. Last evaluated: 2024-05-14. Review status: criteria provided, single submitter. Criteria: Ambry Variant Classification Scheme 2023. Collection method: clinical testing. Allele origin: germline.

NM_173648.4(CCDC141):c.2600A>G (p.Asn867Ser)

Gene: CCDC141 (coiled-coil domain containing 141; minus strand). Cytogenetic location: 2q31.2.
Variant type: single nucleotide variant.
Coding change: c.2600A>G on transcript NM_173648.4 (MANE Select); coding-DNA position 2600, A replaced by G.
Protein change: p.Asn867Ser; replaces asparagine 867 with serine.
Molecular consequence: missense variant.
Genome position (GRCh38, 1-based): chr2:178,865,891, T>C on the plus strand (A>G on the coding strand, the complement: CCDC141 is on the minus strand). VCF-style: chr2-178865891-T-C. GRCh37 (hg19) VCF-style: chr2-179730618-T-C.
Other names: short protein forms N867S.
Identifiers: ClinVar variation 3263880 (VCV003263880.2).